The following is an entry in ClinVar:

ClinVar aggregate classification (germline): Uncertain significance (1 of 4 stars; one submission).

Allele frequency attached by ClinVar (database versions not stated): gnomAD exomes below 0.00001.
gnomAD v4.1: 1 of 1,613,860 alleles (0.000062%); highest among the groups gnomAD compares: Admixed American, 0.0017%; no homozygotes.

Submission:

Labcorp Genetics (formerly Invitae), Labcorp
Classification: Uncertain significance. Last evaluated: 2018-11-20. Review status: criteria provided, single submitter. Criteria: Invitae Variant Classification Sherloc (09022015). Collection method: clinical testing. Allele origin: germline.
Comment: This variant is not present in population databases (ExAC no frequency). This sequence change replaces valine with alanine at codon 421 of the FAM134B protein (p.Val421Ala). The valine residue is moderately conserved and there is a small physicochemical difference between valine and alanine. This variant has not been reported in the literature in individuals with FAM134B-related disease. In summary, the available evidence is currently insufficient to determine the role of this variant in disease. Therefore, it has been classified as a Variant of Uncertain Significance. Algorithms developed to predict the effect of missense changes on protein structure and function are either unavailable or do not agree on the potential impact of this missense change (SIFT: "Deleterious"; PolyPhen-2: "Benign"; Align-GVGD: "Class C25").

NM_001034850.3(RETREG1):c.1262T>C (p.Val421Ala)

Gene: RETREG1 (reticulophagy regulator 1; minus strand). Cytogenetic location: 5p15.1.
Variant type: single nucleotide variant.
Coding change: c.1262T>C on transcript NM_001034850.3 (MANE Select); coding-DNA position 1262, T replaced by C.
Protein change: p.Val421Ala; replaces valine 421 with alanine.
Molecular consequence: missense variant.
Genome position (GRCh38, 1-based): chr5:16,474,973, A>G on the plus strand (T>C on the coding strand, the complement: RETREG1 is on the minus strand). VCF-style: chr5-16474973-A-G. GRCh37 (hg19) VCF-style: chr5-16475082-A-G.
Other names: c.839T>C, p.Val280Ala (NM_019000.5); short protein forms V280A, V421A.
Identifiers: ClinVar variation 648833 (VCV000648833.8), dbSNP rs1579575180, ClinGen allele CA359256077.